The following is an entry in ClinVar:

ClinVar aggregate classification (germline): Uncertain significance (1 of 4 stars; one submission).

Allele frequency attached by ClinVar (database versions not stated): gnomAD exomes below 0.00001; gnomAD 0.00001; TOPMed 0.00001.
gnomAD v4.1: 3 of 1,613,224 alleles (0.00019%); highest among the groups gnomAD compares: Non-Finnish European, 0.00025%; no homozygotes.

Submission:

Labcorp Genetics (formerly Invitae), Labcorp
Classification: Uncertain significance. Last evaluated: 2019-10-24. Review status: criteria provided, single submitter. Criteria: Invitae Variant Classification Sherloc (09022015). Collection method: clinical testing. Allele origin: germline.
Comment: This sequence change replaces lysine with asparagine at codon 502 of the TTLL5 protein (p.Lys502Asn). The lysine residue is highly conserved and there is a moderate physicochemical difference between lysine and asparagine. In summary, the available evidence is currently insufficient to determine the role of this variant in disease. Therefore, it has been classified as a Variant of Uncertain Significance. Algorithms developed to predict the effect of missense changes on protein structure and function (SIFT, PolyPhen-2, Align-GVGD) all suggest that this variant is likely to be tolerated, but these predictions have not been confirmed by published functional studies and their clinical significance is uncertain. This variant has not been reported in the literature in individuals with TTLL5-related conditions. This variant is not present in population databases (ExAC no frequency).

NM_015072.5(TTLL5):c.1506G>T (p.Lys502Asn)

Gene: TTLL5 (tubulin tyrosine ligase like 5; plus strand). Cytogenetic location: 14q24.3.
Variant type: single nucleotide variant.
Coding change: c.1506G>T on transcript NM_015072.5 (MANE Select); coding-DNA position 1506, G replaced by T.
Protein change: p.Lys502Asn; replaces lysine 502 with asparagine.
Molecular consequence: missense variant.
Genome position (GRCh38, 1-based): chr14:75,752,911, G>T. VCF-style: chr14-75752911-G-T. GRCh37 (hg19) VCF-style: chr14-76219254-G-T.
Other names: short protein forms K502N.
Identifiers: ClinVar variation 961861 (VCV000961861.9), dbSNP rs950066641, ClinGen allele CA263686996.